The following is an entry in ClinVar:

ClinVar aggregate classification (germline): Uncertain significance (1 of 4 stars; one submission).

Conditions:
Hereditary spastic paraplegia 11. Also called: Spastic Paraplegia 11; Spastic paraplegia, mental retardation and thin corpus callosum; Nakamura Osame syndrome; Autosomal recessive hereditary spastic paraplegia, mental impairment, and thin corpus callosum; SPASTIC PARAPLEGIA, AUTOSOMAL RECESSIVE, COMPLICATED, WITH THIN CORPUS CALLOSUM; SPASTIC PARAPLEGIA, AUTOSOMAL RECESSIVE, WITH MENTAL IMPAIRMENT AND THIN CORPUS CALLOSUM. Identifiers: Orphanet 2822, MedGen C1858479, MONDO:0011445, OMIM 604360.

Allele frequency attached by ClinVar (database versions not stated): gnomAD exomes 0.00002; ExAC 0.00004.
gnomAD v4.1: 13 of 1,596,890 alleles (0.00081%); highest among the groups gnomAD compares: Non-Finnish European, 0.000085%; 1 homozygote.

Submission:

Labcorp Genetics (formerly Invitae), Labcorp
Classification: Uncertain significance for Hereditary spastic paraplegia 11. Last evaluated: 2021-12-21. Review status: criteria provided, single submitter. Criteria: Invitae Variant Classification Sherloc (09022015). Collection method: clinical testing. Allele origin: germline.
Comment: In summary, the available evidence is currently insufficient to determine the role of this variant in disease. Therefore, it has been classified as a Variant of Uncertain Significance. Algorithms developed to predict the effect of missense changes on protein structure and function are either unavailable or do not agree on the potential impact of this missense change (SIFT: "Deleterious"; PolyPhen-2: "Probably Damaging"; Align-GVGD: "Class C0"). This variant has not been reported in the literature in individuals affected with SPG11-related conditions. This variant is present in population databases (rs778824072, gnomAD 0.03%), including at least one homozygous and/or hemizygous individual. This sequence change replaces leucine, which is neutral and non-polar, with valine, which is neutral and non-polar, at codon 26 of the SPG11 protein (p.Leu26Val).

NM_025137.4(SPG11):c.76C>G (p.Leu26Val)

Gene: SPG11 (SPG11 vesicle trafficking associated, spatacsin; minus strand). Cytogenetic location: 15q21.1.
Variant type: single nucleotide variant.
Coding change: c.76C>G on transcript NM_025137.4 (MANE Select); coding-DNA position 76, C replaced by G.
Protein change: p.Leu26Val; replaces leucine 26 with valine.
Molecular consequence: missense variant.
Genome position (GRCh38, 1-based): chr15:44,663,572, G>C on the plus strand (C>G on the coding strand, the complement: SPG11 is on the minus strand). VCF-style: chr15-44663572-G-C. GRCh37 (hg19) VCF-style: chr15-44955770-G-C.
Other names: c.76C>G, p.Leu26Val (NM_001160227.2, NM_001411132.1); short protein forms L26V.
Identifiers: ClinVar variation 2051770 (VCV002051770.2), dbSNP rs778824072, ClinGen allele CA7535956.